The following is an entry in ClinVar:

ClinVar aggregate classification (germline): Uncertain significance. Review status: criteria provided, multiple submitters, no conflicts (2 of 4 stars). 2 submissions from 2 submitters: Uncertain significance (2). Last evaluated 2024-01-26.

Conditions:
Hereditary cancer-predisposing syndrome. Also called: Neoplastic Syndromes, Hereditary; Tumor predisposition; Hereditary neoplastic syndrome; Hereditary Cancer Syndrome. Identifiers: Orphanet 140162, MedGen C0027672, MeSH D009386, MONDO:0015356.

Submissions (2):

Ambry Genetics
Classification: Uncertain significance for Hereditary cancer-predisposing syndrome. Last evaluated: 2024-01-26. Review status: criteria provided, single submitter. Criteria: Ambry Variant Classification Scheme 2023. Collection method: clinical testing. Allele origin: germline.
Comment: The p.N443K variant (also known as c.1329T>A), located in coding exon 9 of the CTNNA1 gene, results from a T to A substitution at nucleotide position 1329. The asparagine at codon 443 is replaced by lysine, an amino acid with similar properties. This amino acid position is conserved. In addition, this alteration is predicted to be tolerated by in silico analysis. Since supporting evidence is limited at this time, the clinical significance of this alteration remains unclear.

Labcorp Genetics (formerly Invitae), Labcorp
Classification: Uncertain significance. Last evaluated: 2021-07-02. Review status: criteria provided, single submitter. Criteria: Invitae Variant Classification Sherloc (09022015). Collection method: clinical testing. Allele origin: germline.
Comment: Algorithms developed to predict the effect of missense changes on protein structure and function are either unavailable or do not agree on the potential impact of this missense change (SIFT: "Deleterious"; PolyPhen-2: "Benign"; Align-GVGD: "Class C0"). This sequence change replaces asparagine with lysine at codon 443 of the CTNNA1 protein (p.Asn443Lys). The asparagine residue is highly conserved and there is a moderate physicochemical difference between asparagine and lysine. This variant is not present in population databases (ExAC no frequency). This variant has not been reported in the literature in individuals affected with CTNNA1-related conditions. Algorithms developed to predict the effect of sequence changes on RNA splicing suggest that this variant may create or strengthen a splice site. In summary, the available evidence is currently insufficient to determine the role of this variant in disease. Therefore, it has been classified as a Variant of Uncertain Significance.

NM_001903.5(CTNNA1):c.1329T>A (p.Asn443Lys)

Gene: CTNNA1 (catenin alpha 1; plus strand). Cytogenetic location: 5q31.2.
Variant type: single nucleotide variant.
Coding change: c.1329T>A on transcript NM_001903.5 (MANE Select); coding-DNA position 1329, T replaced by A.
Protein change: p.Asn443Lys; replaces asparagine 443 with lysine.
Molecular consequence: missense variant. On other transcripts: 5 prime UTR variant (6), intron variant (3).
Genome position (GRCh38, 1-based): chr5:138,904,381, T>A. VCF-style: chr5-138904381-T-A. GRCh37 (hg19) VCF-style: chr5-138240070-T-A.
Other names: c.1329T>A, p.Asn443Lys (NM_001290307.3, NM_001323982.2, NM_001323983.1 and 2 more transcripts); c.1020T>A, p.Asn340Lys (NM_001290309.3); c.960T>A, p.Asn320Lys (NM_001290310.3); c.219T>A, p.Asn73Lys (NM_001290312.1, NM_001323987.1, NM_001323988.1 and 17 more transcripts); c.-179T>A (NM_001324006.1, NM_001324007.1, NM_001324008.1 and 1 more transcripts); c.-25T>A (NM_001324012.1, NM_001324013.1); c.1297-13361T>A (NM_001323986.2); c.187-13361T>A (NM_001324011.1); and 1 more; short protein forms N443K, N320K, N340K, N73K.
Identifiers: ClinVar variation 1364633 (VCV001364633.10), dbSNP rs775346533, ClinGen allele CA361135927.